The following is an entry in ClinVar:

ClinVar aggregate classification (germline): Pathogenic (1 of 4 stars; one submission).

Submission:

Labcorp Genetics (formerly Invitae), Labcorp
Classification: Pathogenic. Last evaluated: 2025-11-04. Review status: criteria provided, single submitter. Criteria: Invitae Variant Classification Sherloc (09022015). Collection method: clinical testing. Allele origin: germline.
Comment: This sequence change creates a premature translational stop signal (p.Thr1421Profs*22) in the NBAS gene. It is expected to result in an absent or disrupted protein product. Loss-of-function variants in NBAS are known to be pathogenic (PMID: 26073778, 26541327, 27789416, 28031453). This variant is not present in population databases (gnomAD no frequency). This variant has not been reported in the literature in individuals affected with NBAS-related conditions. For these reasons, this variant has been classified as Pathogenic.

Literature cited by the submitters: PubMed 26073778; PubMed 26541327; PubMed 27789416; PubMed 28031453.

NM_015909.4(NBAS):c.4261del (p.Thr1421fs)

Gene: NBAS (NBAS subunit of NRZ tethering complex; minus strand). Cytogenetic location: 2p24.3.
Variant type: Deletion.
Coding change: c.4261del on transcript NM_015909.4 (MANE Select); coding-DNA position 4261, one base deleted (A; older notation c.4261delA).
Protein change: p.Thr1421fs; shifts the reading frame from threonine 1421.
Molecular consequence: frameshift variant. On other transcripts: non-coding transcript variant (1).
Genome position (GRCh38, 1-based): chr2:15,330,684, T deleted on the plus strand (A on the coding strand, the reverse complement: NBAS is on the minus strand). VCF-style (leftmost placement, unchanged base first): chr2-15330683-GT-G. GRCh37 (hg19) VCF-style: chr2-15470807-GT-G.
Other names: short protein forms T1421fs.
Identifiers: ClinVar variation 4730024 (VCV004730024.1).